The following is an entry in ClinVar:

NM_000520.6(HEXA):c.629C>A (p.Ser210Tyr)

Gene: HEXA (hexosaminidase subunit alpha; minus strand). Cytogenetic location: 15q23.
Variant type: single nucleotide variant.
Coding change: c.629C>A on transcript NM_000520.6 (MANE Select); coding-DNA position 629, C replaced by A.
Protein change: p.Ser210Tyr; replaces serine 210 with tyrosine.
Molecular consequence: missense variant. On other transcripts: non-coding transcript variant (1).
Genome position (GRCh38, 1-based): chr15:72,351,176, G>T on the plus strand (C>A on the coding strand, the complement: HEXA is on the minus strand). VCF-style: chr15-72351176-G-T. GRCh37 (hg19) VCF-style: chr15-72643517-G-T.
Other names: c.662C>A, p.Ser221Tyr (NM_001318825.2); short protein forms S221Y, S210Y.
Identifiers: ClinVar variation 1997441 (VCV001997441.4), dbSNP rs121907961, ClinGen allele CA393063572.

ClinVar aggregate classification (germline): Uncertain significance (1 of 4 stars; one submission).

Conditions:
Tay-Sachs disease (TSD). Also called: HEXA DEFICIENCY; GM2 gangliosidosis, type 1; Hexosaminidase alpha-subunit deficiency (variant B); Sphingolipidosis, Tay-Sachs; Hexosaminidase A Deficiency; HEXA Disorders. Identifiers: Orphanet 845, MedGen C0039373, MONDO:0010100, OMIM 272800.

Submission:

Labcorp Genetics (formerly Invitae), Labcorp
Classification: Uncertain significance for Tay-Sachs disease. Last evaluated: 2022-05-21. Review status: criteria provided, single submitter. Criteria: Invitae Variant Classification Sherloc (09022015). Collection method: clinical testing. Allele origin: germline.
Comment: In summary, the available evidence is currently insufficient to determine the role of this variant in disease. Therefore, it has been classified as a Variant of Uncertain Significance. Algorithms developed to predict the effect of missense changes on protein structure and function (SIFT, PolyPhen-2, Align-GVGD) all suggest that this variant is likely to be disruptive. This variant has not been reported in the literature in individuals affected with HEXA-related conditions. This variant is not present in population databases (gnomAD no frequency). This sequence change replaces serine, which is neutral and polar, with tyrosine, which is neutral and polar, at codon 210 of the HEXA protein (p.Ser210Tyr).